The following is an entry in ClinVar:

ClinVar aggregate classification (germline): Uncertain significance. Review status: criteria provided, multiple submitters, no conflicts (2 of 4 stars). 2 submissions from 2 submitters: Uncertain significance (2). Last evaluated 2026-04-28.

Conditions:
Hereditary cancer-predisposing syndrome. Also called: Hereditary neoplastic syndrome; Tumor predisposition; Hereditary Cancer Syndrome; Neoplastic Syndromes, Hereditary. Identifiers: Orphanet 140162, MedGen C0027672, MeSH D009386, MONDO:0015356.
Tuberous sclerosis 2 (TSC2). Identifiers: Orphanet 805, MedGen C1860707, MONDO:0013199, OMIM 613254.

Submissions (2):

Ambry Genetics
Classification: Uncertain significance for Hereditary cancer-predisposing syndrome. Last evaluated: 2026-04-28. Review status: criteria provided, single submitter. Criteria: Ambry Variant Classification Scheme 2023. Collection method: clinical testing. Allele origin: germline.
Comment: The p.N331S variant (also known as c.992A>G), located in coding exon 10 of the TSC2 gene, results from an A to G substitution at nucleotide position 992. The asparagine at codon 331 is replaced by serine, an amino acid with highly similar properties. This amino acid position is conserved. In addition, this alteration is predicted to be tolerated by in silico analysis. Based on the available evidence, the clinical significance of this variant remains unclear.

Labcorp Genetics (formerly Invitae), Labcorp
Classification: Uncertain significance for Tuberous sclerosis 2. Last evaluated: 2024-10-09. Review status: criteria provided, single submitter. Criteria: Invitae Variant Classification Sherloc (09022015). Collection method: clinical testing. Allele origin: germline.
Comment: This sequence change replaces asparagine, which is neutral and polar, with serine, which is neutral and polar, at codon 331 of the TSC2 protein (p.Asn331Ser). This variant is not present in population databases (gnomAD no frequency). This variant has not been reported in the literature in individuals affected with TSC2-related conditions. Invitae Evidence Modeling of protein sequence and biophysical properties (such as structural, functional, and spatial information, amino acid conservation, physicochemical variation, residue mobility, and thermodynamic stability) indicates that this missense variant is not expected to disrupt TSC2 protein function with a negative predictive value of 95%. In summary, the available evidence is currently insufficient to determine the role of this variant in disease. Therefore, it has been classified as a Variant of Uncertain Significance.

NM_000548.5(TSC2):c.992A>G (p.Asn331Ser)

Gene: TSC2 (TSC complex subunit 2; plus strand). Cytogenetic location: 16p13.3.
Variant type: single nucleotide variant.
Coding change: c.992A>G on transcript NM_000548.5 (MANE Select); coding-DNA position 992, A replaced by G.
Protein change: p.Asn331Ser; replaces asparagine 331 with serine.
Molecular consequence: missense variant. On other transcripts: 5 prime UTR variant (10), non-coding transcript variant (5).
Genome position (GRCh38, 1-based): chr16:2,060,686, A>G. VCF-style: chr16-2060686-A-G. GRCh37 (hg19) VCF-style: chr16-2110687-A-G.
Other names: c.992A>G, p.Asn331Ser (NM_001077183.3, NM_001114382.3, NM_001363528.2 and 6 more transcripts); c.881A>G, p.Asn294Ser (NM_001318827.2, NM_001406670.1, NM_001406678.1); c.845A>G, p.Asn282Ser (NM_001318829.2, NM_001406675.1, NM_001406676.1 and 1 more transcripts); c.392A>G, p.Asn131Ser (NM_001318831.2, NM_001406680.1, NM_001406682.1 and 6 more transcripts); c.1025A>G, p.Asn342Ser (NM_001318832.2); c.1082A>G, p.Asn361Ser (NM_001406667.1, NM_001406668.1); c.980A>G, p.Asn327Ser (NM_001406671.1, NM_001406673.1); c.935A>G, p.Asn312Ser (NM_001406677.1); and 4 more; short protein forms N177S, N312S, N327S, N131S, N294S, N282S, N331S, N342S.
Identifiers: ClinVar variation 3637183 (VCV003637183.3).
Genomic context (GRCh38, chr16:2,060,686, plus strand): 5'-GCAAGCAGCTCTGACCCTGTGTGCTGGCCGGGCTCGTGTTCCAGGCCATGGCATGTCCGA[A>G]CGAGGTGGTGTCCTATGAGATCGTCCTGTCCATCACCAGGCTCATCAAGAAGTATAGGAA-3'
Protein context (NP_000539.2, residues 321-341): PSFYQAMACP[Asn331Ser]EVVSYEIVLS